The following is an entry in ClinVar:

NM_206933.4(USH2A):c.11764G>A (p.Ala3922Thr)

Gene: USH2A (usherin; minus strand). Cytogenetic location: 1q41.
Variant type: single nucleotide variant.
Coding change: c.11764G>A on transcript NM_206933.4 (MANE Select); coding-DNA position 11764, G replaced by A.
Protein change: p.Ala3922Thr; replaces alanine 3922 with threonine.
Molecular consequence: missense variant.
Genome position (GRCh38, 1-based): chr1:215,728,332, C>T on the plus strand (G>A on the coding strand, the complement: USH2A is on the minus strand). VCF-style: chr1-215728332-C-T. GRCh37 (hg19) VCF-style: chr1-215901674-C-T.
Other names: short protein forms A3922T.
Identifiers: ClinVar variation 855869 (VCV000855869.7), dbSNP rs745965437, ClinGen allele CA1393622.

ClinVar aggregate classification (germline): Uncertain significance. Review status: criteria provided, multiple submitters, no conflicts (2 of 4 stars). 3 submissions from 3 submitters: Uncertain significance (2). 1 of the submissions does not count toward it. Last evaluated 2024-02-24.

Conditions:
Usher syndrome type 2A. Also called: RETINAL DISEASE IN USHER SYNDROME TYPE IIA, MODIFIER OF; USHER SYNDROME, TYPE IIA. Identifiers: Orphanet 231178, Orphanet 886, MedGen C1848634, MONDO:0010169, OMIM 276901.

Allele frequency attached by ClinVar (database versions not stated): TOPMed 0.00001.
gnomAD v4.1: 10 of 1,614,212 alleles (0.00062%); highest among the groups gnomAD compares: Non-Finnish European, 0.00085%; no homozygotes.

Submissions (3):

Labcorp Genetics (formerly Invitae), Labcorp
Classification: Uncertain significance. Last evaluated: 2024-02-24. Review status: criteria provided, single submitter. Criteria: Invitae Variant Classification Sherloc (09022015). Collection method: clinical testing. Allele origin: germline.
Comment: This sequence change replaces alanine, which is neutral and non-polar, with threonine, which is neutral and polar, at codon 3922 of the USH2A protein (p.Ala3922Thr). This variant is present in population databases (rs745965437, gnomAD 0.002%). This variant has not been reported in the literature in individuals affected with USH2A-related conditions. ClinVar contains an entry for this variant (Variation ID: 855869). Advanced modeling of protein sequence and biophysical properties (such as structural, functional, and spatial information, amino acid conservation, physicochemical variation, residue mobility, and thermodynamic stability) performed at Invitae indicates that this missense variant is not expected to disrupt USH2A protein function with a negative predictive value of 95%. In summary, the available evidence is currently insufficient to determine the role of this variant in disease. Therefore, it has been classified as a Variant of Uncertain Significance.

Blueprint Genetics
Classification: Uncertain significance. Last evaluated: 2021-03-02. Review status: criteria provided, single submitter. Criteria: ACMG Guidelines, 2015. Collection method: clinical testing. Allele origin: germline.

Natera, Inc.
Classification: Uncertain significance for Usher syndrome type 2A. Last evaluated: 2025-03-20. Review status: no assertion criteria provided. Collection method: clinical testing. Allele origin: germline. Not counted in ClinVar's aggregate classification.